The following is an entry in ClinVar:

ClinVar aggregate classification (germline): Uncertain significance. Review status: criteria provided, single submitter (1 of 4 stars). 2 submissions from 2 submitters: Uncertain significance (1). 1 of the submissions does not count toward it.

Conditions:
SMC3-related disorder. Also called: SMC3-related condition.
Cornelia de Lange syndrome 3 (CDLS3). Also called: SMC3-Related Cornelia de Lange Syndrome; CORNELIA DE LANGE SYNDROME 3 WITH OR WITHOUT MIDLINE BRAIN DEFECTS. Identifiers: Orphanet 199, MedGen C1853099, MONDO:0012555, OMIM 610759.

Submissions (2):

Baylor-Hopkins Center for Mendelian Genomics, Johns Hopkins University School of Medicine
Classification: Uncertain significance for Cornelia de Lange syndrome 3. Review status: criteria provided, single submitter. Criteria: ACMG Guidelines, 2015. Collection method: research. Allele origin: unknown. Affected: yes. Observed: 1 variant allele, 1 heterozygote.

PreventionGenetics, part of Exact Sciences
Classification: Likely pathogenic for SMC3-related condition. Last evaluated: 2024-01-18. Review status: no assertion criteria provided. Collection method: clinical testing. Allele origin: germline. Not counted in ClinVar's aggregate classification.
Comment: The SMC3 c.371T>G variant is predicted to result in the amino acid substitution p.Leu124Arg. To our knowledge, this variant has not been reported in the literature or in a large population database, indicating this variant is rare. De novo variants in SMC3 gene have been reported in individuals with Cornelia de Lange syndrome (Deardorff et al. 2007. PubMed ID: 17273969; Ansari et al. 2014. PubMed ID: 25125236; Gil-Rodríguez et al. 2015. PubMed ID: 25655089). This variant is interpreted as likely pathogenic.

NM_005445.4(SMC3):c.371T>G (p.Leu124Arg)

Gene: SMC3 (structural maintenance of chromosomes 3; plus strand). Cytogenetic location: 10q25.2.
Variant type: single nucleotide variant.
Coding change: c.371T>G on transcript NM_005445.4 (MANE Select); coding-DNA position 371, T replaced by G.
Protein change: p.Leu124Arg; replaces leucine 124 with arginine.
Molecular consequence: missense variant.
Genome position (GRCh38, 1-based): chr10:110,578,648, T>G. VCF-style: chr10-110578648-T-G. GRCh37 (hg19) VCF-style: chr10-112338406-T-G.
Other names: short protein forms L124R.
Identifiers: ClinVar variation 638053 (VCV000638053.4), dbSNP rs1590553017, ClinGen allele CA378373770.